The following is an entry in ClinVar:

ClinVar aggregate classification (germline): Uncertain significance. Review status: criteria provided, multiple submitters, no conflicts (2 of 4 stars). 4 submissions from 4 submitters: Uncertain significance (4). Last evaluated 2025-12-06.

Conditions:
Inborn genetic diseases. Identifiers: MedGen C0950123, MeSH D030342.
CHARGE syndrome (CHARGE). Also called: Coloboma, heart anomaly, choanal atresia, retardation, genital and ear anomalies; CHARGE association; Hall-Hittner syndrome; Hittner Hirsch Kreh syndrome; CHARGE ASSOCIATION--COLOBOMA, HEART ANOMALY, CHOANAL ATRESIA, RETARDATION, GENITAL AND EAR ANOMALIES. Identifiers: Orphanet 138, MedGen C0265354, MONDO:0008965.
Hypogonadotropic hypogonadism 5 with or without anosmia (KAL5). Also called: HYPOGONADOTROPIC HYPOGONADISM 5 WITH ANOSMIA; HYPOGONADOTROPHIC HYPOGONADISM 5 WITHOUT ANOSMIA; CHD7-Related GnRH Deficiency (Kallmann Syndrome 5). Identifiers: Orphanet 478, MedGen C3552553, MONDO:0012880, OMIM 612370. Disease mechanism: loss of function.

gnomAD v4.1: 7 of 1,563,110 alleles (0.00045%); highest among the groups gnomAD compares: African/African-American, 0.0068%; no homozygotes.

Submissions (4):

Labcorp Genetics (formerly Invitae), Labcorp
Classification: Uncertain significance for CHARGE syndrome. Last evaluated: 2025-12-06. Review status: criteria provided, single submitter. Criteria: Invitae Variant Classification Sherloc (09022015). Collection method: clinical testing. Allele origin: germline.
Comment: This sequence change replaces proline, which is neutral and non-polar, with arginine, which is basic and polar, at codon 653 of the CHD7 protein (p.Pro653Arg). This variant is not present in population databases (gnomAD no frequency). This variant has not been reported in the literature in individuals affected with CHD7-related conditions. ClinVar contains an entry for this variant (Variation ID: 1675285). Invitae Evidence Modeling of protein sequence and biophysical properties (such as structural, functional, and spatial information, amino acid conservation, physicochemical variation, residue mobility, and thermodynamic stability) indicates that this missense variant is not expected to disrupt CHD7 protein function with a negative predictive value of 80%. In summary, the available evidence is currently insufficient to determine the role of this variant in disease. Therefore, it has been classified as a Variant of Uncertain Significance.

Fulgent Genetics
Classification: Uncertain significance for CHD7-related CHARGE syndrome; Hypogonadotropic hypogonadism 5 with or without anosmia. Last evaluated: 2023-12-26. Review status: criteria provided, single submitter. Criteria: ACMG Guidelines, 2015. Collection method: clinical testing. Allele origin: germline.

GeneDx
Classification: Uncertain significance. Last evaluated: 2023-01-31. Review status: criteria provided, single submitter. Criteria: GeneDx Variant Classification Process June 2021. Collection method: clinical testing. Allele origin: germline. Affected: yes.
Comment: Not observed at significant frequency in large population cohorts (gnomAD); In silico analysis supports that this missense variant does not alter protein structure/function; Has not been previously published as pathogenic or benign to our knowledge

Ambry Genetics
Classification: Uncertain significance for Inborn genetic diseases. Last evaluated: 2020-12-09. Review status: criteria provided, single submitter. Criteria: Ambry Variant Classification Scheme 2023. Collection method: clinical testing. Allele origin: germline.

NM_017780.4(CHD7):c.1958C>G (p.Pro653Arg)

Genes: CHD7 (chromodomain helicase DNA binding protein 7; plus strand), LOC126860403 (CDK7 strongly-dependent group 2 enhancer GRCh37_chr8:61693034-61694233; plus strand). Cytogenetic location: 8q12.2.
Variant type: single nucleotide variant.
Coding change: c.1958C>G on transcript NM_017780.4 (MANE Select); coding-DNA position 1958, C replaced by G.
Protein change: p.Pro653Arg; replaces proline 653 with arginine.
Molecular consequence: missense variant. On other transcripts: intron variant (1).
Genome position (GRCh38, 1-based): chr8:60,781,292, C>G. VCF-style: chr8-60781292-C-G. GRCh37 (hg19) VCF-style: chr8-61693851-C-G.
Other names: c.1716+242C>G (NM_001316690.1); c.1958C>G (NM_017780.3); short protein forms P653R.
Identifiers: ClinVar variation 1675285 (VCV001675285.11), dbSNP rs200536932, ClinGen allele CA177334956.